The following is an entry in ClinVar:

NM_001849.4(COL6A2):c.1760C>T (p.Pro587Leu)

Gene: COL6A2 (collagen type VI alpha 2 chain; plus strand). Cytogenetic location: 21q22.3.
Variant type: single nucleotide variant.
Coding change: c.1760C>T on transcript NM_001849.4 (MANE Select); coding-DNA position 1760, C replaced by T.
Protein change: p.Pro587Leu; replaces proline 587 with leucine.
Molecular consequence: missense variant.
Genome position (GRCh38, 1-based): chr21:46,124,910, C>T. VCF-style: chr21-46124910-C-T. GRCh37 (hg19) VCF-style: chr21-47544824-C-T.
Other names: c.1760C>T, p.Pro587Leu (NM_058174.3, NM_058175.3); short protein forms P587L.
Identifiers: ClinVar variation 2706569 (VCV002706569.3), dbSNP rs371631650, ClinGen allele CA10072168.

ClinVar aggregate classification (germline): Uncertain significance (1 of 4 stars; one submission).

Conditions:
Bethlem myopathy 1A. Also called: MYOPATHY, BENIGN CONGENITAL, WITH CONTRACTURES; Bethlem myopathy 1; Bethlem Muscular Dystrophy. Identifiers: Orphanet 610, MedGen CN029274, MONDO:0024530, OMIM 158810.

Allele frequency attached by ClinVar (database versions not stated): gnomAD 0.00001.
gnomAD v4.1: 81 of 1,612,818 alleles (0.005%); highest among the groups gnomAD compares: Non-Finnish European, 0.0067%; no homozygotes.

Submission:

Labcorp Genetics (formerly Invitae), Labcorp
Classification: Uncertain significance for Bethlem myopathy 1A. Last evaluated: 2024-12-20. Review status: criteria provided, single submitter. Criteria: Invitae Variant Classification Sherloc (09022015). Collection method: clinical testing. Allele origin: germline.
Comment: This sequence change replaces proline, which is neutral and non-polar, with leucine, which is neutral and non-polar, at codon 587 of the COL6A2 protein (p.Pro587Leu). This variant is present in population databases (rs371631650, gnomAD 0.003%). This variant has not been reported in the literature in individuals affected with COL6A2-related conditions. ClinVar contains an entry for this variant (Variation ID: 2706569). Invitae Evidence Modeling of protein sequence and biophysical properties (such as structural, functional, and spatial information, amino acid conservation, physicochemical variation, residue mobility, and thermodynamic stability) indicates that this missense variant is expected to disrupt COL6A2 protein function with a positive predictive value of 80%. In summary, the available evidence is currently insufficient to determine the role of this variant in disease. Therefore, it has been classified as a Variant of Uncertain Significance.